The following is an entry in ClinVar:

NM_000089.4(COL1A2):c.2422G>A (p.Gly808Ser)

Gene: COL1A2 (collagen type I alpha 2 chain; plus strand). Cytogenetic location: 7q21.3.
Variant type: single nucleotide variant.
Coding change: c.2422G>A on transcript NM_000089.4 (MANE Select); coding-DNA position 2422, G replaced by A.
Protein change: p.Gly808Ser; replaces glycine 808 with serine.
Molecular consequence: missense variant.
Genome position (GRCh38, 1-based): chr7:94,422,975, G>A. VCF-style: chr7-94422975-G-A. GRCh37 (hg19) VCF-style: chr7-94052287-G-A.
Other names: short protein forms G808S.
Identifiers: ClinVar variation 847143 (VCV000847143.10), dbSNP rs763053421, ClinGen allele CA368223903.
Genomic context (GRCh38, chr7:94,422,975, plus strand): 5'-GTGATTAACAGAAAGGAAATGACCTTGTACATTTGCTCATAGGGTATTTCTGGCCCTCCT[G>A]GTCCCCCTGGTCCTGCTGGGAAAGAAGGGCTTCGTGGTCCTCGTGGTGACCAAGGTCCAG-3'
Protein context (NP_000080.2, residues 798-818): PGPSGISGPP[Gly808Ser]PPGPAGKEGL

ClinVar aggregate classification (germline): Pathogenic. Review status: criteria provided, multiple submitters, no conflicts (2 of 4 stars). 2 submissions from 2 submitters: Pathogenic (2). Last evaluated 2026-04-08.

Conditions:
Osteogenesis imperfecta type I (OI1). Also called: Lobstein disease; OI, TYPE I; OSTEOGENESIS IMPERFECTA TARDA; OSTEOGENESIS IMPERFECTA WITH BLUE SCLERAE; Osteogenesis imperfecta type 1; Lobstein's Disease. Identifiers: Orphanet 216796, Orphanet 666, MedGen C0023931, MONDO:0008146, OMIM 166200. Disease mechanism: loss of function.
Ehlers-Danlos syndrome, classic type, 1 (EDSCL1). Also called: EDS I; EHLERS-DANLOS SYNDROME, GRAVIS TYPE; EHLERS-DANLOS SYNDROME, SEVERE CLASSIC TYPE; Ehlers-Danlos Syndrome, Classic Type, COL5A1-Related; Ehlers-Danlos syndrome, type 1. Identifiers: MedGen C0268335, MONDO:0019567, OMIM 130000.

Submissions (2):

GeneDx
Classification: Pathogenic. Last evaluated: 2026-04-08. Review status: criteria provided, single submitter. Criteria: GeneDx Variant Classification Process June 2021. Collection method: clinical testing. Allele origin: germline.
Comment: Observed in a cohort of patients with osteogenesis imperfecta in the published literature (PMID: 36709916); In silico analysis supports that this missense variant has a deleterious effect on protein structure/function; In silico analysis suggests this variant may impact gene splicing. In the absence of RNA/functional studies, the actual effect of this sequence change is unknown.; Not observed at significant frequency in large population cohorts (gnomAD); Occurs in the triple helical domain and replaces a glycine in a canonical Gly-X-Y repeat; missense substitution of a canonical glycine residue is expected to disrupt normal protein folding and function, and this is an established mechanism of disease (PMID: 34007986); This variant is associated with the following publications: (PMID: 36709916, 34007986)

Labcorp Genetics (formerly Invitae), Labcorp
Classification: Pathogenic for Osteogenesis imperfecta type I; Ehlers-Danlos syndrome, classic type, 1. Last evaluated: 2025-12-28. Review status: criteria provided, single submitter. Criteria: Invitae Variant Classification Sherloc (09022015). Collection method: clinical testing. Allele origin: germline.
Comment: This sequence change replaces glycine, which is neutral and non-polar, with serine, which is neutral and polar, at codon 808 of the COL1A2 protein (p.Gly808Ser). This variant is not present in population databases (gnomAD no frequency). This missense change has been observed in individual(s) with autosomal dominant osteogenesis imperfecta (PMID: 36709916; internal data). ClinVar contains an entry for this variant (Variation ID: 847143). Invitae Evidence Modeling of protein sequence and biophysical properties (such as structural, functional, and spatial information, amino acid conservation, physicochemical variation, residue mobility, and thermodynamic stability) indicates that this missense variant is expected to disrupt COL1A2 protein function with a positive predictive value of 95%. Algorithms developed to predict the effect of sequence changes on RNA splicing suggest that this variant may disrupt the consensus splice site. This variant disrupts the triple helix domain of COL1A2. Glycine residues within the Gly-Xaa-Yaa repeats of the triple helix domain are required for the structure and stability of fibrillar collagens (PMID: 7695699, 8218237, 19344236). In COL1A2, variants affecting these glycine residues are significantly enriched in individuals with disease (PMID: 9016532, 17078022) compared to the general population (ExAC). For these reasons, this variant has been classified as Pathogenic.

Literature cited by the submitters: PubMed 36709916 (cited by Labcorp Genetics (formerly Invitae), Labcorp); PubMed 7695699 (cited by Labcorp Genetics (formerly Invitae), Labcorp); PubMed 8218237 (cited by Labcorp Genetics (formerly Invitae), Labcorp); PubMed 19344236 (cited by Labcorp Genetics (formerly Invitae), Labcorp); PubMed 9016532 (cited by Labcorp Genetics (formerly Invitae), Labcorp); PubMed 17078022 (cited by Labcorp Genetics (formerly Invitae), Labcorp).